The following is an entry in ClinVar:

ClinVar aggregate classification (germline): Uncertain significance. Review status: criteria provided, multiple submitters, no conflicts (2 of 4 stars). 2 submissions from 2 submitters: Uncertain significance (2). Last evaluated 2023-09-20.

Conditions:
Inborn genetic diseases. Identifiers: MedGen C0950123, MeSH D030342.
Multiple gastrointestinal atresias. Also called: Multiple intestinal atresia; FAMILIAL INTESTINAL POLYATRESIA SYNDROME. Identifiers: Orphanet 2300, MedGen C0220744, MONDO:0009465.

Allele frequency attached by ClinVar (database versions not stated): TOPMed 0.00001; gnomAD 0.00002; gnomAD exomes 0.00003 and 0.00006; ExAC 0.00005.
gnomAD v4.1: 56 of 1,614,000 alleles (0.0035%); highest among the groups gnomAD compares: East Asian, 0.033%; no homozygotes.

Submissions (2):

Ambry Genetics
Classification: Uncertain significance for Inborn genetic diseases. Last evaluated: 2023-09-20. Review status: criteria provided, single submitter. Criteria: Ambry Variant Classification Scheme 2023. Collection method: clinical testing. Allele origin: germline.

Labcorp Genetics (formerly Invitae), Labcorp
Classification: Uncertain significance for Multiple gastrointestinal atresias. Last evaluated: 2020-06-15. Review status: criteria provided, single submitter. Criteria: Invitae Variant Classification Sherloc (09022015). Collection method: clinical testing. Allele origin: germline.
Comment: Algorithms developed to predict the effect of missense changes on protein structure and function are either unavailable or do not agree on the potential impact of this missense change (SIFT: "Tolerated"; PolyPhen-2: "Possibly Damaging"; Align-GVGD: "Class C0"). This variant has not been reported in the literature in individuals with TTC7A-related conditions. This variant is present in population databases (rs762902490, ExAC 0.03%). This sequence change replaces arginine with glutamine at codon 515 of the TTC7A protein (p.Arg515Gln). The arginine residue is weakly conserved and there is a small physicochemical difference between arginine and glutamine. In summary, the available evidence is currently insufficient to determine the role of this variant in disease. Therefore, it has been classified as a Variant of Uncertain Significance.

NM_020458.4(TTC7A):c.1544G>A (p.Arg515Gln)

Gene: TTC7A (tetratricopeptide repeat domain 7A; plus strand). Cytogenetic location: 2p21.
Variant type: single nucleotide variant.
Coding change: c.1544G>A on transcript NM_020458.4 (MANE Select); coding-DNA position 1544, G replaced by A.
Protein change: p.Arg515Gln; replaces arginine 515 with glutamine.
Molecular consequence: missense variant.
Genome position (GRCh38, 1-based): chr2:47,023,441, G>A. VCF-style: chr2-47023441-G-A. GRCh37 (hg19) VCF-style: chr2-47250580-G-A.
Other names: c.1544G>A, p.Arg515Gln (NM_001288951.2); c.1442G>A, p.Arg481Gln (NM_001288953.2); c.482G>A, p.Arg161Gln (NM_001288955.2); c.1544G>A (NM_020458.2); short protein forms R481Q, R515Q, R161Q.
Identifiers: ClinVar variation 936771 (VCV000936771.9), dbSNP rs762902490, ClinGen allele CA1647724.